The following is an entry in ClinVar:

NM_000257.4(MYH7):c.4780G>A (p.Val1594Met)

Genes: MHRT (myosin heavy chain associated RNA transcript; plus strand), MYH7 (myosin heavy chain 7; minus strand), LOC126861897 (BRD4-independent group 4 enhancer GRCh37_chr14:23884455-23885654; plus strand). Cytogenetic location: 14q11.2.
Variant type: single nucleotide variant.
Coding change: c.4780G>A on transcript NM_000257.4 (MANE Select); coding-DNA position 4780, G replaced by A.
Protein change: p.Val1594Met; replaces valine 1594 with methionine.
Molecular consequence: missense variant. On other transcripts: non-coding transcript variant (1).
Genome position (GRCh38, 1-based): chr14:23,416,177, C>T on the plus strand (G>A on the coding strand, the complement: MYH7 is on the minus strand). VCF-style: chr14-23416177-C-T. GRCh37 (hg19) VCF-style: chr14-23885386-C-T.
Other names: c.4780G>A, p.Val1594Met (NM_001407004.1); short protein forms V1594M.
Identifiers: ClinVar variation 1996661 (VCV001996661.4), dbSNP rs763882473, ClinGen allele CA389037647.

ClinVar aggregate classification (germline): Uncertain significance (1 of 4 stars; one submission).

Conditions:
Hypertrophic cardiomyopathy. Also called: HYPERTROPHIC MYOCARDIOPATHY. Identifiers: Orphanet 217569, MedGen C0007194, MeSH D002312, MONDO:0005045, HP:0001639.

Submission:

Labcorp Genetics (formerly Invitae), Labcorp
Classification: Uncertain significance for Hypertrophic cardiomyopathy. Last evaluated: 2022-05-20. Review status: criteria provided, single submitter. Criteria: Invitae Variant Classification Sherloc (09022015). Collection method: clinical testing. Allele origin: germline.
Comment: In summary, the available evidence is currently insufficient to determine the role of this variant in disease. Therefore, it has been classified as a Variant of Uncertain Significance. Algorithms developed to predict the effect of missense changes on protein structure and function are either unavailable or do not agree on the potential impact of this missense change (SIFT: "Deleterious"; PolyPhen-2: "Possibly Damaging"; Align-GVGD: "Class C0"). This variant has not been reported in the literature in individuals affected with MYH7-related conditions. This variant is present in population databases (no rsID available, gnomAD 0.0009%). This sequence change replaces valine, which is neutral and non-polar, with methionine, which is neutral and non-polar, at codon 1594 of the MYH7 protein (p.Val1594Met).